The following is an entry in ClinVar:

ClinVar aggregate classification (germline): Benign/Likely benign. Review status: criteria provided, multiple submitters, no conflicts (2 of 4 stars). 3 submissions from 3 submitters: Benign (1); Likely benign (2). Last evaluated 2026-08-01.

Conditions:
Epilepsy, childhood absence, susceptibility to, 5. Identifiers: Orphanet 64280, MedGen C2677087, MONDO:0012843, OMIM 612269.
Epilepsy, childhood absence, susceptibility to, 1. Also called: Epilepsy, childhood absence 1. Identifiers: Orphanet 64280, MedGen C1838604, MONDO:0020759, OMIM 600131.

Allele frequency attached by ClinVar (database versions not stated): gnomAD 0.00012 and 0.00022; gnomAD exomes 0.00017; TOPMed 0.00032; 1000 Genomes Project 30x 0.00281; 1000 Genomes Project 0.00300.

Submissions (3):

CeGaT Center for Human Genetics Tuebingen
Classification: Likely benign. Last evaluated: 2026-08-01. Review status: criteria provided, single submitter. Criteria: CeGaT Center For Human Genetics Tuebingen Variant Classification Criteria Version 2. Collection method: clinical testing. Allele origin: germline. Affected: yes. Observed: 2 variant alleles.
Comment: GABRB3: BS1

Blueprint Genetics
Classification: Likely benign. Last evaluated: 2024-01-17. Review status: criteria provided, single submitter. Criteria: ACMG Guidelines, 2015. Collection method: clinical testing. Allele origin: germline.

Labcorp Genetics (formerly Invitae), Labcorp
Classification: Benign for Epilepsy, childhood absence, susceptibility to, 5; Epilepsy, childhood absence, susceptibility to, 1. Last evaluated: 2022-08-09. Review status: criteria provided, single submitter. Criteria: Invitae Variant Classification Sherloc (09022015). Collection method: clinical testing. Allele origin: germline.

NC_000015.10:g.26773866C>A

Gene: GABRB3 (gamma-aminobutyric acid type A receptor subunit beta3; minus strand). Cytogenetic location: 15q12.
Variant type: single nucleotide variant.
Genome position: GRCh38 VCF-style: chr15-26773866-C-A. GRCh37 (hg19) VCF-style: chr15-27019013-C-A.
Identifiers: ClinVar variation 1166678 (VCV001166678.41), dbSNP rs563217194, ClinGen allele CA268179754.